The following is an entry in ClinVar:

NM_130384.3(ATRIP):c.479_480del (p.Arg160fs)

Genes: ATRIP (ATR interacting protein; plus strand), ATRIP-TREX1 (ATRIP-TREX1 readthrough; plus strand). Cytogenetic location: 3p21.31.
Variant type: Microsatellite.
Coding change: c.479_480del on transcript NM_130384.3 (MANE Select); coding-DNA positions 479 to 480, 2 bases deleted (GA; older notation c.479_480delGA).
Protein change: p.Arg160fs; shifts the reading frame from arginine 160.
Molecular consequence: frameshift variant. On other transcripts: non-coding transcript variant (1).
Genome position (GRCh38, 1-based): chr3:48,451,826-48,451,827, GA deleted; deleting any 2 consecutive bases within chr3:48,451,823-48,451,827 gives the same sequence; the c. name uses the placement nearest the transcript's 3' end. VCF-style (leftmost placement, unchanged base first): chr3-48451822-CAG-C. GRCh37 (hg19) VCF-style: chr3-48493228-CAG-C.
Other names: c.98_99del, p.Arg33fs (NM_001271022.2); c.200_201del, p.Arg67fs (NM_001271023.2); c.479_480del, p.Arg160fs (NM_032166.4); short protein forms R67fs, R33fs, R160fs.
Identifiers: ClinVar variation 3809319 (VCV003809319.1).

ClinVar aggregate classification (germline): Uncertain significance (1 of 4 stars; one submission).

Submission:

Ambry Genetics
Classification: Uncertain significance. Last evaluated: 2025-01-13. Review status: criteria provided, single submitter. Criteria: Ambry Variant Classification Scheme 2023. Collection method: clinical testing. Allele origin: germline.
Comment: The c.479_480delGA variant, located in coding exon 3 of the ATRIP gene, results from a deletion of two nucleotides at nucleotide positions 479 to 480, causing a translational frameshift with a predicted alternate stop codon (p.R160Kfs*7). This alteration is expected to result in loss of function by premature protein truncation or nonsense-mediated mRNA decay. The evidence for this gene-disease relationship is limited; therefore, the clinical significance of this alteration is unclear.